The following is an entry in ClinVar:

ClinVar aggregate classification (germline): Uncertain significance (1 of 4 stars; one submission).

Conditions:
Lower motor neuron syndrome with late-adult onset (SMAJ). Also called: Late-Onset Spinal Motor Neuronopathy (SMAJ); Spinal muscular atrophy, Jokela type. Identifiers: Orphanet 276435, MedGen C3554398, MONDO:0014025, OMIM 615048.
Autosomal dominant mitochondrial myopathy with exercise intolerance (IMMD). Also called: Myopathy, isolated mitochondrial, autosomal dominant. Identifiers: Orphanet 457050, MedGen C4015513, MONDO:0014532, OMIM 616209.
Frontotemporal dementia and/or amyotrophic lateral sclerosis 2. Also called: FTDALS2. Identifiers: Orphanet 275872, MedGen C4014648, MONDO:0014395, OMIM 615911.

Submission:

Labcorp Genetics (formerly Invitae), Labcorp
Classification: Uncertain significance for Lower motor neuron syndrome with late-adult onset; Frontotemporal dementia and/or amyotrophic lateral sclerosis 2; Autosomal dominant mitochondrial myopathy with exercise intolerance. Last evaluated: 2024-07-24. Review status: criteria provided, single submitter. Criteria: Invitae Variant Classification Sherloc (09022015). Collection method: clinical testing. Allele origin: germline.
Comment: This sequence change creates a premature translational stop signal (p.Gly4Glufs*52) in the CHCHD10 gene. It is expected to result in an absent or disrupted protein product. However, the current clinical and genetic evidence is not sufficient to establish whether loss-of-function variants in CHCHD10 cause disease. This variant is not present in population databases (gnomAD no frequency). This variant has not been reported in the literature in individuals affected with CHCHD10-related conditions. In summary, the available evidence is currently insufficient to determine the role of this variant in disease. Therefore, it has been classified as a Variant of Uncertain Significance.

NM_213720.3(CHCHD10):c.11del (p.Gly4fs)

Gene: CHCHD10 (coiled-coil-helix-coiled-coil-helix domain containing 10; minus strand). Cytogenetic location: 22q11.23.
Variant type: Deletion.
Coding change: c.11del on transcript NM_213720.3 (MANE Select); coding-DNA position 11, one base deleted (G; older notation c.11delG).
Protein change: p.Gly4fs; shifts the reading frame from glycine 4.
Molecular consequence: frameshift variant. On other transcripts: non-coding transcript variant (2).
Genome position (GRCh38, 1-based): chr22:23,767,864, C deleted on the plus strand (G on the coding strand, the reverse complement: CHCHD10 is on the minus strand); the first of 4 consecutive C bases (chr22:23,767,864-23,767,867); deleting any one gives the same sequence. VCF-style (leftmost placement, unchanged base first): chr22-23767863-TC-T. GRCh37 (hg19) VCF-style: chr22-24110050-TC-T.
Other names: c.11del, p.Gly4fs (NM_001301339.2); short protein forms G4fs.
Identifiers: ClinVar variation 3757379 (VCV003757379.2).